The following is an entry in ClinVar:

ClinVar aggregate classification (germline): Likely benign. Review status: criteria provided, multiple submitters, no conflicts (2 of 4 stars). 2 submissions from 2 submitters: Likely benign (2). Last evaluated 2024-07-01.

Conditions:
Cardiovascular phenotype. Identifiers: MedGen CN230736.

Allele frequency attached by ClinVar (database versions not stated): gnomAD 0.00001; gnomAD exomes 0.00001; TOPMed 0.00001.
gnomAD v4.1: 12 of 1,613,946 alleles (0.00074%); highest among the groups gnomAD compares: African/African-American, 0.0053%; no homozygotes.

Submissions (2):

CeGaT Center for Human Genetics Tuebingen
Classification: Likely benign. Last evaluated: 2024-07-01. Review status: criteria provided, single submitter. Criteria: CeGaT Center For Human Genetics Tuebingen Variant Classification Criteria Version 2. Collection method: clinical testing. Allele origin: germline. Affected: yes. Observed: 1 variant allele.
Comment: ANK2: BP4

Ambry Genetics
Classification: Likely benign for Cardiovascular phenotype. Last evaluated: 2022-10-17. Review status: criteria provided, single submitter. Criteria: Ambry Variant Classification Scheme 2023. Collection method: clinical testing. Allele origin: germline.

NM_001148.6(ANK2):c.10359C>T (p.Cys3453=)

Gene: ANK2 (ankyrin 2; plus strand). Cytogenetic location: 4q26.
Variant type: single nucleotide variant.
Coding change: c.10359C>T on transcript NM_001148.6 (MANE Select); coding-DNA position 10359, C replaced by T.
Protein change: p.Cys3453=; no amino-acid change (cysteine 3453 retained).
Molecular consequence: synonymous variant. On other transcripts: intron variant (68).
Genome position (GRCh38, 1-based): chr4:113,358,977, C>T. VCF-style: chr4-113358977-C-T. GRCh37 (hg19) VCF-style: chr4-114280133-C-T.
Other names: c.10125C>T, p.Cys3375= (NM_001386142.1); c.6759C>T, p.Cys2253= (NM_001386166.1); c.10500C>T, p.Cys3500= (NM_001386174.1); c.10476C>T, p.Cys3492= (NM_001386175.1); c.4412-1846C>T (NM_001386186.2, NM_001386148.2); c.4214-1846C>T (NM_001354269.3); c.4292-1846C>T (NM_001386187.2); c.4253-1846C>T (NM_001386147.1); and 35 more.
Identifiers: ClinVar variation 1772199 (VCV001772199.19), dbSNP rs1381394563, ClinGen allele CA440880479.
Genomic context (GRCh38, chr4:113,358,977, plus strand): 5'-AAGACCAAAGATACTTACATCCCGATTGCCAGTTAAGAGCAGAAGCACTACATCTTCCTG[C>T]AGGGGGGGCACGAGCCCCACAAAAGAAAGTAAGGAGCATTTCTTTGACCTTTACAGAAAT-3'
Protein context (NP_001139.3, residues 3443-3463): PVKSRSTTSS[Cys3453=]RGGTSPTKES